The following is an entry in ClinVar:

ClinVar aggregate classification (germline): Uncertain significance (1 of 4 stars; one submission).

Conditions:
Hypertrophic cardiomyopathy. Also called: HYPERTROPHIC MYOCARDIOPATHY. Identifiers: Orphanet 217569, MedGen C0007194, MeSH D002312, MONDO:0005045, HP:0001639.

Allele frequency attached by ClinVar (database versions not stated): TOPMed below 0.00001.

Submission:

All of Us Research Program, National Institutes of Health
Classification: Uncertain significance for Hypertrophic cardiomyopathy. Last evaluated: 2023-05-30. Review status: criteria provided, single submitter. Criteria: ACMG Guidelines, 2015. Collection method: clinical testing. Allele origin: germline. Inheritance: Autosomal dominant inheritance. Observed: 1 variant allele, 1 heterozygote.
Comment: This missense variant replaces isoleucine with threonine at codon 292 of the MYBPC3 protein. Computational prediction suggests that this variant may not impact protein structure and function (internally defined REVEL score threshold <= 0.5, PMID: 27666373). To our knowledge, functional studies have not been reported for this variant. This variant has not been reported in individuals affected with MYBPC3-related disorders in the literature. This variant has not been identified in the general population by the Genome Aggregation Database (gnomAD). The available evidence is insufficient to determine the role of this variant in disease conclusively. Therefore, this variant is classified as a Variant of Uncertain Significance.

This study involves interpretation of variants in research participants for the purpose of population health screening. Participant phenotype was not available at the time of variant classification. Additional details can be found in publication PMID: 35346344, PMCID: PMC8962531

NM_000256.3(MYBPC3):c.875T>C (p.Ile292Thr)

Gene: MYBPC3 (myosin binding protein C3; minus strand). Cytogenetic location: 11p11.2.
Variant type: single nucleotide variant.
Coding change: c.875T>C on transcript NM_000256.3 (MANE Select); coding-DNA position 875, T replaced by C.
Protein change: p.Ile292Thr; replaces isoleucine 292 with threonine.
Molecular consequence: missense variant.
Genome position (GRCh38, 1-based): chr11:47,347,456, A>G on the plus strand (T>C on the coding strand, the complement: MYBPC3 is on the minus strand). VCF-style: chr11-47347456-A-G. GRCh37 (hg19) VCF-style: chr11-47369007-A-G.
Other names: short protein forms I292T.
Identifiers: ClinVar variation 3071371 (VCV003071371.1), dbSNP rs2095895404, ClinGen allele CA380333303.
Genomic context (GRCh38, chr11:47,347,456, plus strand): 5'-CTGCCCCAGGAACTGCCACCCAGGACTCACCTCTTTTTCAGCAGTGAGCTGAAGTCCAGA[A>G]TCCCAGTGTCCTCATGGCTATCACTATGGAGAGGGACCCCCAGTGAGGCTGCAGTGAGGG-3'
Protein context (NP_000247.2, residues 282-302): RISDSHEDTG[Ile292Thr]LDFSSLLKKR